The following is an entry in ClinVar:

ClinVar aggregate classification (germline): Likely benign (1 of 4 stars; one submission).

Allele frequency attached by ClinVar (database versions not stated): gnomAD exomes below 0.00001 and 0.00002; ExAC 0.00001; gnomAD 0.00002; TOPMed 0.00004.
gnomAD v4.1: 34 of 1,597,178 alleles (0.0021%); highest among the groups gnomAD compares: Non-Finnish European, 0.0025%; no homozygotes.

Submission:

GeneDx
Classification: Likely benign. Last evaluated: 2017-12-18. Review status: criteria provided, single submitter. Criteria: GeneDx Variant Classification (06012015). Collection method: clinical testing. Allele origin: germline. Affected: yes.
Comment: This variant is considered likely benign or benign based on one or more of the following criteria: it is a conservative change, it occurs at a poorly conserved position in the protein, it is predicted to be benign by multiple in silico algorithms, and/or has population frequency not consistent with disease.

NM_001267550.2(TTN):c.22510G>A (p.Ala7504Thr)

Gene: TTN (titin; minus strand). Cytogenetic location: 2q31.2.
Variant type: single nucleotide variant.
Coding change: c.22510G>A on transcript NM_001267550.2 (MANE Select); coding-DNA position 22510, G replaced by A.
Protein change: p.Ala7504Thr; replaces alanine 7504 with threonine.
Molecular consequence: missense variant. On other transcripts: intron variant (3).
Genome position (GRCh38, 1-based): chr2:178,722,277, C>T on the plus strand (G>A on the coding strand, the complement: TTN is on the minus strand). VCF-style: chr2-178722277-C-T. GRCh37 (hg19) VCF-style: chr2-179587004-C-T.
Other names: c.21559G>A, p.Ala7187Thr (NM_001256850.1); c.18778G>A, p.Ala6260Thr (NM_133378.4); c.13282+15805G>A (NM_003319.4); c.13858+15805G>A (NM_133437.4); c.13657+15805G>A (NM_133432.3); short protein forms A7187T, A7504T, A6260T.
Identifiers: ClinVar variation 514229 (VCV000514229.1), dbSNP rs753276275, ClinGen allele CA2000828.